The following is an entry in ClinVar:

NM_000487.6(ARSA):c.1337dup (p.Val447fs)

Gene: ARSA (arylsulfatase A; minus strand). Cytogenetic location: 22q13.33.
Variant type: Duplication.
Coding change: c.1337dup on transcript NM_000487.6 (MANE Select); coding-DNA position 1337, one base duplicated (G; older notation c.1337dupG).
Protein change: p.Val447fs; shifts the reading frame from valine 447.
Molecular consequence: frameshift variant.
Genome position (GRCh38, 1-based): chr22:50,625,338, C duplicated on the plus strand (G on the coding strand, the reverse complement: ARSA is on the minus strand); the first of 6 consecutive C bases (chr22:50,625,338-50,625,343); duplicating any one gives the same sequence. VCF-style (leftmost placement, unchanged base first): chr22-50625337-A-AC. GRCh37 (hg19) VCF-style: chr22-51063765-A-AC.
Other names: p.Val447Cysfs*126; c.1337dup, p.Val447fs (NM_001085425.3, NM_001085426.3, NM_001085427.3); c.1079dup, p.Val361fs (NM_001085428.3, NM_001362782.2); short protein forms V361fs, V447fs.
Identifiers: ClinVar variation 5021442 (VCV005021442.1).

ClinVar aggregate classification (germline): Likely pathogenic (1 of 4 stars; one submission).

Conditions:
Metachromatic leukodystrophy (MLD). Also called: ARSA DEFICIENCY; CEREBROSIDE SULFATASE DEFICIENCY; METACHROMATIC LEUKOENCEPHALOPATHY; SULFATIDE LIPIDOSIS; Cerebral sclerosis diffuse metachromatic form; Arylsulfatase A Deficiency. Identifiers: Orphanet 512, MedGen C0023522, MONDO:0018868, OMIM 250100.

Submission:

Foundation for Research in Genetics and Endocrinology, FRIGE's Institute of Human Genetics
Classification: Likely pathogenic for Metachromatic leukodystrophy. Last evaluated: 2026-09-21. Review status: criteria provided, single submitter. Criteria: ACMG Guidelines, 2015. Collection method: clinical testing. Allele origin: germline. Inheritance: Autosomal recessive inheritance. Affected: yes. Observed: 1 variant allele, 1 homozygote.
Comment: A homozygous single base pair duplication in exon 8 of the ARSA gene that results in a frameshift and premature truncation of the protein 126 amino acids downstream to codon 447 (p.Val447Cysfs*126) was detected. This variant has not been reported in the 1000 genomes and gnomAD databases. The in-silico prediction of the variant is deleterious by MutationTaster2. In summary, the variant meets our criteria to be classified as likely pathogenic.